The following is an entry in ClinVar:

NM_004415.4(DSP):c.2985+224G>C

Gene: DSP (desmoplakin; plus strand). Cytogenetic location: 6p24.3.
Variant type: single nucleotide variant.
Coding change: c.2985+224G>C on transcript NM_004415.4 (MANE Select); 224 bases into the intron after coding-DNA position 2985, G replaced by C.
Molecular consequence: intron variant.
Genome position (GRCh38, 1-based): chr6:7,578,110, G>C. VCF-style: chr6-7578110-G-C. GRCh37 (hg19) VCF-style: chr6-7578343-G-C.
Other names: c.2985+224G>C (NM_001319034.2, NM_001008844.3).
Identifiers: ClinVar variation 678482 (VCV000678482.1), dbSNP rs2806230, ClinGen allele CA15456580.

ClinVar aggregate classification (germline): Benign (1 of 4 stars; one submission).

Allele frequency attached by ClinVar (database versions not stated): 1000 Genomes Project 0.76538; 1000 Genomes Project 30x 0.76546; gnomAD 0.77563 and 0.77564; TOPMed 0.78279.
gnomAD v4.1: 118,109 of 152,112 alleles (78%); highest among the groups gnomAD compares: Middle Eastern, 84%; 46,073 homozygotes.

Submission:

GeneDx
Classification: Benign. Last evaluated: 2018-06-13. Review status: criteria provided, single submitter. Criteria: GeneDx Variant Classification (06012015). Collection method: clinical testing. Allele origin: germline. Affected: yes.
Comment: This variant is considered likely benign or benign based on one or more of the following criteria: it is a conservative change, it occurs at a poorly conserved position in the protein, it is predicted to be benign by multiple in silico algorithms, and/or has population frequency not consistent with disease.